The following is an entry in ClinVar:

ClinVar aggregate classification (germline): Pathogenic (1 of 4 stars; one submission).

Conditions:
Succinate-semialdehyde dehydrogenase deficiency (SSADHD). Also called: Succinic Semialdehyde Dehydrogenase Deficiency; SSADH DEFICIENCY; 4-HYDROXYBUTYRIC ACIDURIA; GABA METABOLIC DEFECT. Identifiers: Orphanet 22, MedGen C0268631, MONDO:0010083, OMIM 271980.

gnomAD v4.1: 1 of 1,613,884 alleles (0.000062%); no homozygotes.

Submission:

Labcorp Genetics (formerly Invitae), Labcorp
Classification: Pathogenic for Succinate-semialdehyde dehydrogenase deficiency. Last evaluated: 2022-01-15. Review status: criteria provided, single submitter. Criteria: Invitae Variant Classification Sherloc (09022015). Collection method: clinical testing. Allele origin: germline.
Comment: This variant is not present in population databases (gnomAD no frequency). For these reasons, this variant has been classified as Pathogenic. ClinVar contains an entry for this variant (Variation ID: 1070877). This variant has not been reported in the literature in individuals affected with ALDH5A1-related conditions. This sequence change creates a premature translational stop signal (p.Ser285*) in the ALDH5A1 gene. It is expected to result in an absent or disrupted protein product. Loss-of-function variants in ALDH5A1 are known to be pathogenic (PMID: 14635103).

Literature cited by the submitters: PubMed 14635103.

NM_001080.3(ALDH5A1):c.854C>G (p.Ser285Ter)

Gene: ALDH5A1 (aldehyde dehydrogenase 5 family member A1; plus strand). Cytogenetic location: 6p22.3.
Variant type: single nucleotide variant.
Coding change: c.854C>G on transcript NM_001080.3 (MANE Select); coding-DNA position 854, C replaced by G.
Protein change: p.Ser285Ter; replaces serine 285 with a stop codon.
Molecular consequence: nonsense. On other transcripts: intron variant (1).
Genome position (GRCh38, 1-based): chr6:24,515,294, C>G. VCF-style: chr6-24515294-C-G. GRCh37 (hg19) VCF-style: chr6-24515522-C-G.
Other names: c.893C>G, p.Ser298Ter (NM_170740.1); c.727-5107C>G (NM_001368954.1); short protein forms S285*, S298*.
Identifiers: ClinVar variation 1070877 (VCV001070877.7), dbSNP rs2127385894, ClinGen allele CA362972132.
Genomic context (GRCh38, chr6:24,515,294, plus strand): 5'-AGGAAGTAGGGGAGGCAATTTGTACTGATCCTCTGGTGTCCAAAATTTCCTTTACTGGTT[C>G]AACAACTACAGGAAAGGTATGTGACTCAAGTTTCAAAGAAAACAAATGTCTTTCTAATAT-3'